The following is an entry in ClinVar:

NM_000784.4(CYP27A1):c.264C>A (p.Tyr88Ter)

Gene: CYP27A1 (cytochrome P450 family 27 subfamily A member 1; plus strand). Cytogenetic location: 2q35.
Variant type: single nucleotide variant.
Coding change: c.264C>A on transcript NM_000784.4 (MANE Select); coding-DNA position 264, C replaced by A.
Protein change: p.Tyr88Ter; replaces tyrosine 88 with a stop codon.
Molecular consequence: nonsense.
Genome position (GRCh38, 1-based): chr2:218,809,585, C>A. VCF-style: chr2-218809585-C-A. GRCh37 (hg19) VCF-style: chr2-219674308-C-A.
Other names: short protein forms Y88*.
Identifiers: ClinVar variation 984083 (VCV000984083.3), dbSNP rs1943689487, ClinGen allele CA350582894.

ClinVar aggregate classification (germline): Likely pathogenic (1 of 4 stars; one submission).

Conditions:
Cholestanol storage disease (CTX). Also called: CEREBRAL CHOLESTERINOSIS; Cerebrotendinous Xanthomatosis; CTX: Cerebrotendinous xanthomatosis. Identifiers: Orphanet 909, MedGen C0238052, MONDO:0008948, OMIM 213700.

Submission:

Myriad Genetics, Inc.
Classification: Likely pathogenic for Cholestanol storage disease. Last evaluated: 2019-05-29. Review status: criteria provided, single submitter. Criteria: Myriad Women's Health Autosomal Recessive and X-Linked Classification Criteria (2019). Collection method: clinical testing. Allele origin: unknown.
Comment: NM_000784.3(CYP27A1):c.264C>A(Y88*) is expected to be pathogenic in the context of cerebrotendinous xanthomatosis. This variant is predicted to lead to an abnormal or absent protein product due to the creation of a premature termination codon in CYP27A1, a gene where loss-of-function variants are known to be pathogenic. Please note: this variant was assessed in the context of healthy population screening.